The following is an entry in ClinVar:

ClinVar aggregate classification (germline): Uncertain significance (1 of 4 stars; one submission).

Conditions:
FG syndrome (FGS). Identifiers: MedGen C0220769, MONDO:0002010.

Submission:

Labcorp Genetics (formerly Invitae), Labcorp
Classification: Uncertain significance for FG syndrome. Last evaluated: 2023-05-08. Review status: criteria provided, single submitter. Criteria: Invitae Variant Classification Sherloc (09022015). Collection method: clinical testing. Allele origin: germline.
Comment: This sequence change replaces proline, which is neutral and non-polar, with threonine, which is neutral and polar, at codon 640 of the MED12 protein (p.Pro640Thr). This variant is not present in population databases (gnomAD no frequency). This variant has not been reported in the literature in individuals affected with MED12-related conditions. Advanced modeling of protein sequence and biophysical properties (such as structural, functional, and spatial information, amino acid conservation, physicochemical variation, residue mobility, and thermodynamic stability) performed at Invitae indicates that this missense variant is not expected to disrupt MED12 protein function. In summary, the available evidence is currently insufficient to determine the role of this variant in disease. Therefore, it has been classified as a Variant of Uncertain Significance.

NM_005120.3(MED12):c.1918C>A (p.Pro640Thr)

Gene: MED12 (mediator complex subunit 12; plus strand). Cytogenetic location: Xq13.1.
Variant type: single nucleotide variant.
Coding change: c.1918C>A on transcript NM_005120.3 (MANE Select); coding-DNA position 1918, C replaced by A.
Protein change: p.Pro640Thr; replaces proline 640 with threonine.
Molecular consequence: missense variant.
Genome position (GRCh38, 1-based): chrX:71,124,332, C>A. VCF-style: chrX-71124332-C-A. GRCh37 (hg19) VCF-style: chrX-70344182-C-A.
Other names: short protein forms P640T.
Identifiers: ClinVar variation 2851836 (VCV002851836.3), dbSNP rs2519675574, ClinGen allele CA413509887.
Genomic context (GRCh38, chrX:71,124,332, plus strand): 5'-TCCCGAGGGGACCTTGCCTTTGGAGCCCCTGGTCCCCGGCCTCCCTCTCCCTTTGATGAT[C>A]CTGCCGATGACCCAGAGCACAAGGAGGCTGAAGGCAGCAGCAGCAGCAAGCTGGAAGTGA-3'
Protein context (NP_005111.2, residues 630-650): GPRPPSPFDD[Pro640Thr]ADDPEHKEAE